The following is an entry in ClinVar:

NM_003742.4(ABCB11):c.-24C>A

Gene: ABCB11 (ATP binding cassette subfamily B member 11; minus strand). Cytogenetic location: 2q31.1.
Variant type: single nucleotide variant.
Coding change: c.-24C>A on transcript NM_003742.4 (MANE Select); 24 bases upstream of the start codon, C replaced by A.
Molecular consequence: 5 prime UTR variant.
Genome position (GRCh38, 1-based): chr2:169,018,149, G>T on the plus strand (C>A on the coding strand, the complement: ABCB11 is on the minus strand). VCF-style: chr2-169018149-G-T. GRCh37 (hg19) VCF-style: chr2-169874659-G-T.
Identifiers: ClinVar variation 4846680 (VCV004846680.1).

ClinVar aggregate classification (germline): Likely pathogenic (1 of 4 stars; one submission).

Conditions:
Familial intrahepatic cholestasis. Identifiers: Orphanet 284385, MedGen CN296401, MONDO:0017290.

gnomAD v4.1: 2 of 1,610,046 alleles (0.00012%); highest among the groups gnomAD compares: East Asian, 0.0045%; no homozygotes.

Submission:

Genomenon, Inc
Classification: Likely pathogenic for Familial intrahepatic cholestasis. Last evaluated: 2026-04-14. Review status: criteria provided, single submitter. Criteria: Genomenon Sequence Variant Interpretation Standards - Updated. Collection method: curation. Allele origin: germline. Affected: yes.
Comment: ABCB11 c.-24C>A is a variant located in the 5′ untranslated region (5′ UTR). This variant has been observed in at least one proband with an ABCB11-related disorder (PMID:28150711). At least one splicing study demonstrated that this variant results in aberrant splicing (PMID:28150711). It is absent or not present at a significant frequency in gnomAD. In conclusion, we classify ABCB11 c.-24C>A as a likely pathogenic variant.

Literature cited by the submitters: PubMed 28150711.